The following is an entry in ClinVar:

ClinVar aggregate classification (germline): Pathogenic (1 of 4 stars; one submission).

Conditions:
Peroxisome biogenesis disorder 11A (Zellweger). Also called: Peroxisome biogenesis disorder 11A. Identifiers: Orphanet 912, MedGen C3554000, MONDO:0013949, OMIM 614883.

Submission:

Labcorp Genetics (formerly Invitae), Labcorp
Classification: Pathogenic for Peroxisome biogenesis disorder 11A (Zellweger). Last evaluated: 2023-04-30. Review status: criteria provided, single submitter. Criteria: Invitae Variant Classification Sherloc (09022015). Collection method: clinical testing. Allele origin: germline.
Comment: For these reasons, this variant has been classified as Pathogenic. This variant has not been reported in the literature in individuals affected with PEX13-related conditions. This variant is not present in population databases (gnomAD no frequency). This sequence change creates a premature translational stop signal (p.Pro8Serfs*27) in the PEX13 gene. It is expected to result in an absent or disrupted protein product. Loss-of-function variants in PEX13 are known to be pathogenic (PMID: 10332040, 21031596).

Literature cited by the submitters: PubMed 10332040; PubMed 21031596.

NM_002618.4(PEX13):c.20dup (p.Pro8fs)

Genes: PEX13 (peroxisomal biogenesis factor 13; plus strand), PUS10 (pseudouridine synthase 10; minus strand). Cytogenetic location: 2p15.
Variant type: Duplication.
Coding change: c.20dup on transcript NM_002618.4 (MANE Select); coding-DNA position 20, one base duplicated (C; older notation c.20dupC).
Protein change: p.Pro8fs; shifts the reading frame from proline 8.
Molecular consequence: frameshift variant. On other transcripts: intron variant (2).
Genome position (GRCh38, 1-based): chr2:61,017,779, C duplicated; the last of 2 consecutive C bases (chr2:61,017,778-61,017,779); duplicating either gives the same sequence. VCF-style (leftmost placement, unchanged base first): chr2-61017777-A-AC. GRCh37 (hg19) VCF-style: chr2-61244912-A-AC.
Other names: c.-16+230dup (NM_144709.4); c.-623+230dup (NM_001322127.1); short protein forms P8fs.
Identifiers: ClinVar variation 2805185 (VCV002805185.3), dbSNP rs2467473532, ClinGen allele CA2576981000.